The following is an entry in ClinVar:

NM_001563.4(IMPG1):c.807+2T>A

Gene: IMPG1 (interphotoreceptor matrix proteoglycan 1; minus strand). Cytogenetic location: 6q14.1.
Variant type: single nucleotide variant.
Coding change: c.807+2T>A on transcript NM_001563.4 (MANE Select); the canonical splice donor site of the intron after coding-DNA position 807, T replaced by A.
Molecular consequence: splice donor variant.
Genome position (GRCh38, 1-based): chr6:76,018,716, A>T on the plus strand (T>A on the coding strand, the complement: IMPG1 is on the minus strand). VCF-style: chr6-76018716-A-T. GRCh37 (hg19) VCF-style: chr6-76728433-A-T.
Other names: c.573+2T>A (NM_001282368.2).
Identifiers: ClinVar variation 1509137 (VCV001509137.7), dbSNP rs2149482320, ClinGen allele CA364778643.
Genomic context (GRCh38, chr6:76,018,716, plus strand): 5'-CTATCGGCTCCCACCTCTCAGTCACAGCTTGAGGTGTGGTTGTATGGGCCGGGTCTACTC[A>T]CCTGAAGTTGGGACTTTCCTGCTAGCTCCTGGTAATATGGGGACTGGGAGTCAGCGAGCT-3'

ClinVar aggregate classification (germline): Pathogenic/Likely pathogenic. Review status: criteria provided, multiple submitters, no conflicts (2 of 4 stars). 2 submissions from 2 submitters: Pathogenic (1); Likely pathogenic (1). Last evaluated 2024-01-24.

Conditions:
IMPG1-related disorder. Also called: IMPG1-related condition.

gnomAD v4.1: 4 of 1,613,004 alleles (0.00025%); highest among the groups gnomAD compares: Non-Finnish European, 0.00034%; no homozygotes.

Submissions (2):

Labcorp Genetics (formerly Invitae), Labcorp
Classification: Pathogenic. Last evaluated: 2024-01-24. Review status: criteria provided, single submitter. Criteria: Invitae Variant Classification Sherloc (09022015). Collection method: clinical testing. Allele origin: germline.
Comment: This sequence change affects a donor splice site in intron 7 of the IMPG1 gene. It is expected to disrupt RNA splicing. Variants that disrupt the donor or acceptor splice site typically lead to a loss of protein function (PMID: 16199547), and loss-of-function variants in IMPG1 are known to be pathogenic (PMID: 23993198). This variant is not present in population databases (gnomAD no frequency). Disruption of this splice site has been observed in individual(s) with autosomal recessive vitelliform macular dystrophy (PMID: 23993198). It has also been observed to segregate with disease in related individuals. ClinVar contains an entry for this variant (Variation ID: 1509137). Algorithms developed to predict the effect of sequence changes on RNA splicing suggest that this variant may disrupt the consensus splice site. For these reasons, this variant has been classified as Pathogenic.

Blueprint Genetics
Classification: Likely pathogenic for IMPG1-related disorders. Last evaluated: 2022-05-16. Review status: criteria provided, single submitter. Criteria: ACMG Guidelines, 2015. Collection method: clinical testing. Allele origin: germline. Affected: yes. Observed: 1 variant allele.

Literature cited by the submitters: PubMed 16199547 (cited by Labcorp Genetics (formerly Invitae), Labcorp); PubMed 23993198 (cited by Labcorp Genetics (formerly Invitae), Labcorp).